The following is an entry in ClinVar:

NM_000038.6(APC):c.7766A>G (p.Glu2589Gly)

Gene: APC (APC regulator of Wnt signaling pathway; plus strand). Cytogenetic location: 5q22.2.
Variant type: single nucleotide variant.
Coding change: c.7766A>G on transcript NM_000038.6 (MANE Select); coding-DNA position 7766, A replaced by G.
Protein change: p.Glu2589Gly; replaces glutamic acid 2589 with glycine.
Molecular consequence: missense variant.
Genome position (GRCh38, 1-based): chr5:112,843,360, A>G. VCF-style: chr5-112843360-A-G. GRCh37 (hg19) VCF-style: chr5-112179057-A-G.
Other names: c.7766A>G (LRG_130t1); c.7286A>G, p.Glu2429Gly (NM_001354905.2); c.6917A>G, p.Glu2306Gly (NM_001354906.2); c.7766A>G, p.Glu2589Gly (NM_001127510.3, NM_001354895.2); c.7712A>G, p.Glu2571Gly (NM_001127511.3); c.7820A>G, p.Glu2607Gly (NM_001354896.2); c.7796A>G, p.Glu2599Gly (NM_001354897.2); c.7691A>G, p.Glu2564Gly (NM_001354898.2); and 6 more; short protein forms E2589G, E2571G, E2463G, E2498G, E2561G, E2607G, E2530G, E2429G.
Identifiers: ClinVar variation 41515 (VCV000041515.78), dbSNP rs200406572, ClinGen allele CA014023.

ClinVar aggregate classification (germline): Conflicting classifications of pathogenicity. Review status: criteria provided, conflicting classifications (1 of 4 stars). 13 submissions from 13 submitters: Uncertain significance (11); Likely benign (1). 1 of the submissions does not count toward it. Last evaluated 2026-01-21.

Conditions:
Classic or attenuated familial adenomatous polyposis. Identifiers: MedGen CN372698, MONDO:0021057.
Hereditary cancer-predisposing syndrome. Also called: Hereditary neoplastic syndrome; Neoplastic Syndromes, Hereditary; Hereditary Cancer Syndrome; Tumor predisposition. Identifiers: Orphanet 140162, MedGen C0027672, MeSH D009386, MONDO:0015356.
Familial adenomatous polyposis 1 (FAP1). Also called: FAMILIAL ADENOMATOUS POLYPOSIS 1, ATTENUATED; POLYPOSIS, ADENOMATOUS INTESTINAL. Identifiers: MedGen C2713442, MONDO:0021056, OMIM 175100. Disease mechanism: loss of function.

Allele frequency attached by ClinVar (database versions not stated): ExAC 0.00001; gnomAD 0.00001; gnomAD exomes 0.00001 and below 0.00001; TOPMed 0.00002.
gnomAD v4.1: 9 of 1,613,880 alleles (0.00056%); highest among the groups gnomAD compares: African/African-American, 0.0013%; no homozygotes.

Submissions (13):

Labcorp Genetics (formerly Invitae), Labcorp
Classification: Uncertain significance for Familial adenomatous polyposis 1. Last evaluated: 2026-01-21. Review status: criteria provided, single submitter. Criteria: Invitae Variant Classification Sherloc (09022015). Collection method: clinical testing. Allele origin: germline.
Comment: This sequence change replaces glutamic acid, which is acidic and polar, with glycine, which is neutral and non-polar, at codon 2589 of the APC protein (p.Glu2589Gly). This variant is present in population databases (rs200406572, gnomAD 0.003%). This variant has not been reported in the literature in individuals affected with APC-related conditions. ClinVar contains an entry for this variant (Variation ID: 41515). Invitae Evidence Modeling of protein sequence and biophysical properties (such as structural, functional, and spatial information, amino acid conservation, physicochemical variation, residue mobility, and thermodynamic stability) indicates that this missense variant is not expected to disrupt APC protein function with a negative predictive value of 95%. In summary, the available evidence is currently insufficient to determine the role of this variant in disease. Therefore, it has been classified as a Variant of Uncertain Significance.

Color Diagnostics, LLC DBA Color Health
Classification: Uncertain significance for Hereditary cancer-predisposing syndrome. Last evaluated: 2025-08-27. Review status: criteria provided, single submitter. Criteria: ACMG Guidelines, 2015. Collection method: clinical testing. Allele origin: germline.
Comment: This missense variant replaces glutamic acid with glycine at codon 2589 of the APC protein. Computational prediction suggests that this variant may not impact protein structure and function. APC is defined as a gene for which primarily truncating variants are known to cause disease (ClinGen HCCP VCEP). To our knowledge, functional studies have not been reported for this variant. This variant has not been reported in individuals affected with APC-related disorders in the literature. This variant has been identified in 1/250812 chromosomes in the general population by the Genome Aggregation Database (gnomAD). The available evidence is insufficient to determine the role of this variant in disease conclusively. Therefore, this variant is classified as a Variant of Uncertain Significance.

St. Jude Molecular Pathology, St. Jude Children's Research Hospital
Classification: Uncertain significance for Familial adenomatous polyposis 1. Last evaluated: 2025-06-17. Review status: criteria provided, single submitter. Criteria: St. Jude Assertion Criteria 2020. Collection method: clinical testing. Allele origin: germline.
Comment: The APC c.7766A>G p.(Glu2589Gly) missense change has a maximum subpopulation frequency of 0.003% in gnomAD v2.1.1. The in silico tool REVEL is inconclusive about a pathogenic or benign effect of this variant on protein function, and to our knowledge functional studies have not been performed. To our knowledge, this variant has not been reported in the literature in individuals with APC-related disease. In summary, the evidence currently available is insufficient to determine the clinical significance of this variant. It has therefore been classified as of uncertain significance.

Center for Genomic Medicine, Rigshospitalet, Copenhagen University Hospital
Classification: Uncertain significance. Last evaluated: 2025-03-04. Review status: criteria provided, single submitter. Criteria: ACMG Guidelines, 2015. Collection method: clinical testing. Allele origin: germline.

Women's Health and Genetics/Laboratory Corporation of America, LabCorp
Classification: Uncertain significance. Last evaluated: 2024-09-23. Review status: criteria provided, single submitter. Criteria: LabCorp Variant Classification Summary - May 2015. Collection method: clinical testing. Allele origin: germline.
Comment: Variant summary: APC c.7766A>G (p.Glu2589Gly) results in a non-conservative amino acid change in the encoded protein sequence. Four of five in-silico tools predict a damaging effect of the variant on protein function. The variant allele was found at a frequency of 4e-06 in 250812 control chromosomes. The available data on variant occurrences in the general population are insufficient to allow any conclusion about variant significance. c.7766A>G has been reported in the literature in an individual affected with breast cancer (Tung_2014). This report does not provide unequivocal conclusions about association of the variant with Familial Adenomatous Polyposis. To our knowledge, no experimental evidence demonstrating an impact on protein function has been reported. The following publication have been ascertained in the context of this evaluation (PMID: 25186627). ClinVar contains an entry for this variant (Variation ID: 41515). Based on the evidence outlined above, the variant was classified as uncertain significance.

All of Us Research Program, National Institutes of Health
Classification: Uncertain significance for Classic or attenuated familial adenomatous polyposis. Last evaluated: 2024-05-09. Review status: criteria provided, single submitter. Criteria: ACMG Guidelines, 2015. Collection method: clinical testing. Allele origin: germline. Inheritance: Autosomal dominant inheritance. Observed: 5 variant alleles, 5 heterozygotes.
Comment: This missense variant replaces glutamic acid with glycine at codon 2589 of the APC protein. Computational prediction is inconclusive regarding the impact of this variant on protein structure and function (internally defined REVEL score threshold 0.5 < inconclusive < 0.7, PMID: 27666373). To our knowledge, functional studies have not been reported for this variant. This variant has not been reported in individuals affected with hereditary cancer in the literature. This variant has been identified in 1/250812 chromosomes in the general population by the Genome Aggregation Database (gnomAD) and reported in an unaffected individual in a population study (PMID: 22703879). The available evidence is insufficient to determine the role of this variant in disease conclusively. Therefore, this variant is classified as a Variant of Uncertain Significance.

This study involves interpretation of variants in research participants for the purpose of population health screening. Participant phenotype was not available at the time of variant classification. Additional details can be found in publication PMID: 35346344, PMCID: PMC8962531

GeneDx
Classification: Uncertain significance. Last evaluated: 2024-03-21. Review status: criteria provided, single submitter. Criteria: GeneDx Variant Classification Process June 2021. Collection method: clinical testing. Allele origin: germline. Affected: yes.
Comment: Not observed at significant frequency in large population cohorts (gnomAD); In silico analysis supports that this missense variant does not alter protein structure/function; Observed in an individual with atherosclerosis undergoing exome sequencing (PMID: 22703879); This variant is associated with the following publications: (PMID: 18199528, 22703879)

Ambry Genetics
Classification: Likely benign for Hereditary cancer-predisposing syndrome. Last evaluated: 2024-01-19. Review status: criteria provided, single submitter. Criteria: Ambry Variant Classification Scheme 2023. Collection method: clinical testing. Allele origin: germline.

Baylor Genetics
Classification: Uncertain significance for Familial adenomatous polyposis 1. Last evaluated: 2023-10-16. Review status: criteria provided, single submitter. Criteria: ACMG Guidelines, 2015. Collection method: clinical testing. Allele origin: unknown.

Institute for Clinical Genetics, University Hospital TU Dresden, University Hospital TU Dresden
Classification: Uncertain significance. Last evaluated: 2021-11-03. Review status: criteria provided, single submitter. Criteria: ACMG Guidelines, 2015. Collection method: clinical testing. Allele origin: germline.

Division of Medical Genetics, University of Washington
Classification: Uncertain significance for Familial adenomatous polyposis 1. Last evaluated: 2019-06-17. Review status: criteria provided, single submitter. Criteria: ACMG Guidelines, 2015. Collection method: clinical testing. Allele origin: germline. Affected: no. Study: CSER_CHARM.
Comment: To our knowledge, this sequence variant has not been previously reported in the literature in individuals with colon polyps or colon cancer. This variant has an overall allele frequency of 0.000004 in the Broad Institute gnomAD Browser. In silico analyses indicate this is an evolutionarily conserved residue. Thus, it is unknown at this time whether this variant increases cancer risk.

Quest Diagnostics Nichols Institute San Juan Capistrano
Classification: Uncertain significance. Last evaluated: 2017-10-10. Review status: criteria provided, single submitter. Criteria: Quest Diagnostics criteria. Collection method: clinical testing. Allele origin: germline.

Biesecker Lab/Clinical Genomics Section, National Institutes of Health
Classification: Uncertain significance. Last evaluated: 2012-07-13. Review status: no assertion criteria provided. Collection method: research. Allele origin: germline. Affected: no. Observed: 1 variant allele. Study: ClinSeq. Not counted in ClinVar's aggregate classification.
ClinVar note: Converted during submission from variant of unknown significance to Uncertain significance.

Literature cited by the submitters: PubMed 25186627 (cited by Women's Health and Genetics/Laboratory Corporation of America, LabCorp).